The following is an entry in ClinVar:

ClinVar aggregate classification (germline): Uncertain significance. Review status: criteria provided, multiple submitters, no conflicts (2 of 4 stars). 2 submissions from 2 submitters: Uncertain significance (2). Last evaluated 2023-06-05.

Conditions:
Inborn genetic diseases. Identifiers: MedGen C0950123, MeSH D030342.
Vici syndrome (VICIS). Identifiers: Orphanet 1493, MedGen C1855772, MONDO:0009452, OMIM 242840.

Allele frequency attached by ClinVar (database versions not stated): gnomAD 0.00003; gnomAD exomes 0.00003; ExAC 0.00008; 1000 Genomes Project 0.00020; 1000 Genomes Project 30x 0.00047.

Submissions (2):

Ambry Genetics
Classification: Uncertain significance for Inborn genetic diseases. Last evaluated: 2023-06-05. Review status: criteria provided, single submitter. Criteria: Ambry Variant Classification Scheme 2023. Collection method: clinical testing. Allele origin: germline.

Labcorp Genetics (formerly Invitae), Labcorp
Classification: Uncertain significance for Vici syndrome. Last evaluated: 2022-07-27. Review status: criteria provided, single submitter. Criteria: Invitae Variant Classification Sherloc (09022015). Collection method: clinical testing. Allele origin: germline.
Comment: This sequence change replaces proline, which is neutral and non-polar, with serine, which is neutral and polar, at codon 861 of the EPG5 protein (p.Pro861Ser). This variant is present in population databases (rs528589226, gnomAD 0.07%), including at least one homozygous and/or hemizygous individual. This variant has not been reported in the literature in individuals affected with EPG5-related conditions. Algorithms developed to predict the effect of missense changes on protein structure and function are either unavailable or do not agree on the potential impact of this missense change (SIFT: "Tolerated"; PolyPhen-2: "Probably Damaging"; Align-GVGD: "Class C0"). In summary, the available evidence is currently insufficient to determine the role of this variant in disease. Therefore, it has been classified as a Variant of Uncertain Significance.

NM_020964.3(EPG5):c.2581C>T (p.Pro861Ser)

Gene: EPG5 (ectopic P-granules 5 autophagy tethering factor; minus strand). Cytogenetic location: 18q21.1.
Variant type: single nucleotide variant.
Coding change: c.2581C>T on transcript NM_020964.3 (MANE Select); coding-DNA position 2581, C replaced by T.
Protein change: p.Pro861Ser; replaces proline 861 with serine.
Molecular consequence: missense variant.
Genome position (GRCh38, 1-based): chr18:45,925,875, G>A on the plus strand (C>T on the coding strand, the complement: EPG5 is on the minus strand). VCF-style: chr18-45925875-G-A. GRCh37 (hg19) VCF-style: chr18-43505841-G-A.
Other names: c.2581C>T, p.Pro861Ser (NM_001410858.1, NM_001410859.1); c.2581C>T (NM_020964.2); short protein forms P861S.
Identifiers: ClinVar variation 2143161 (VCV002143161.3), dbSNP rs528589226, ClinGen allele CA8949385.